The following is an entry in ClinVar:

NM_020911.2(PLXNA4):c.2246G>A (p.Arg749Gln)

Gene: PLXNA4 (plexin A4; minus strand). Cytogenetic location: 7q32.3.
Variant type: single nucleotide variant.
Coding change: c.2246G>A on transcript NM_020911.2 (MANE Select); coding-DNA position 2246, G replaced by A.
Protein change: p.Arg749Gln; replaces arginine 749 with glutamine.
Molecular consequence: missense variant.
Genome position (GRCh38, 1-based): chr7:132,210,995, C>T on the plus strand (G>A on the coding strand, the complement: PLXNA4 is on the minus strand). VCF-style: chr7-132210995-C-T. GRCh37 (hg19) VCF-style: chr7-131895754-C-T.
Other names: c.2246G>A, p.Arg749Gln (NM_001393897.1); short protein forms R749Q.
Identifiers: ClinVar variation 3057375 (VCV003057375.3), dbSNP rs138897803, ClinGen allele CA4489863.

ClinVar aggregate classification (germline): Uncertain significance (1 of 4 stars; one submission).

Conditions:
PLXNA4-related disorder. Also called: PLXNA4-related condition.

Allele frequency attached by ClinVar (database versions not stated): gnomAD exomes 0.00002; ExAC 0.00003; gnomAD 0.00003; TOPMed 0.00003; 1000 Genomes Project 30x 0.00016; 1000 Genomes Project 0.00020.
gnomAD v4.1: 39 of 1,613,750 alleles (0.0024%); highest among the groups gnomAD compares: Middle Eastern, 0.034%; no homozygotes.

Submission:

PreventionGenetics, part of Exact Sciences
Classification: Uncertain significance for PLXNA4-related condition. Last evaluated: 2025-08-22. Review status: criteria provided, single submitter. Criteria: ACMG Guidelines, 2015. Collection method: clinical testing. Allele origin: germline.
Comment: The PLXNA4 c.2246G>A variant is predicted to result in the amino acid substitution p.Arg749Gln. To our knowledge, this variant has not been reported in the literature. This variant is reported in 0.0041% of alleles in individuals of African descent in gnomAD. At this time, the clinical significance of this variant is uncertain due to the absence of conclusive functional and genetic evidence.